The following is an entry in ClinVar:

ClinVar aggregate classification (germline): Likely benign. Review status: criteria provided, multiple submitters, no conflicts (2 of 4 stars). 2 submissions from 2 submitters: Likely benign (2). Last evaluated 2024-11-04.

Conditions:
Familial cancer of breast. Also called: hereditary breast carcinoma; Hereditary breast cancer; BREAST CANCER, FAMILIAL. Identifiers: Orphanet 227535, MedGen C0346153, MONDO:0016419, OMIM 114480. Disease mechanism: loss of function.

Submissions (2):

Labcorp Genetics (formerly Invitae), Labcorp
Classification: Likely benign for Familial cancer of breast. Last evaluated: 2024-11-04. Review status: criteria provided, single submitter. Criteria: Invitae Variant Classification Sherloc (09022015). Collection method: clinical testing. Allele origin: germline.

Myriad Genetics, Inc.
Classification: Likely benign for Familial cancer of breast. Last evaluated: 2024-07-24. Review status: criteria provided, single submitter. Criteria: Myriad Autosomal Dominant, Autosomal Recessive and X-Linked Classification Criteria (2023). Collection method: clinical testing. Allele origin: unknown.
Comment: This variant is considered likely benign. This variant is intronic and is not expected to impact mRNA splicing.

NM_000465.4(BARD1):c.1315-20_1315-19delinsTA

Gene: BARD1 (BRCA1 associated RING domain 1; minus strand). Cytogenetic location: 2q35.
Variant type: Indel.
Coding change: c.1315-20_1315-19delinsTA on transcript NM_000465.4 (MANE Select); 20 bases into the intron before coding-DNA position 1315 through 19 bases into the intron before coding-DNA position 1315, CG replaced by TA.
Molecular consequence: intron variant.
Genome position (GRCh38, 1-based): chr2:214,769,331-214,769,332, CG replaced by TA on the plus strand (CG replaced by TA on the coding strand, the reverse complement: BARD1 is on the minus strand). VCF-style: chr2-214769331-CG-TA. GRCh37 (hg19) VCF-style: chr2-215634055-CG-TA.
Other names: c.159-16777_159-16776delinsTA (NM_001282548.2); c.1258-20_1258-19delinsTA (NM_001282543.2); c.216-16777_216-16776delinsTA (NM_001282545.2); c.364+22965_364+22966delinsTA (NM_001282549.2).
Identifiers: ClinVar variation 1612868 (VCV001612868.10), dbSNP rs2106081687, ClinGen allele CA2573135156.